The following is an entry in ClinVar:

ClinVar aggregate classification (germline): Uncertain significance (1 of 4 stars; one submission).

Allele frequency attached by ClinVar (database versions not stated): gnomAD 0.00009; gnomAD exomes 0.00012; ESP Exome Variant Server 0.00015.
gnomAD v4.1: 175 of 1,614,022 alleles (0.011%); highest among the groups gnomAD compares: Non-Finnish European, 0.015%; no homozygotes.

Submission:

Labcorp Genetics (formerly Invitae), Labcorp
Classification: Uncertain significance. Last evaluated: 2021-12-15. Review status: criteria provided, single submitter. Criteria: Invitae Variant Classification Sherloc (09022015). Collection method: clinical testing. Allele origin: germline.
Comment: This sequence change affects codon 222 of the ARNT2 mRNA. It is a 'silent' change, meaning that it does not change the encoded amino acid sequence of the ARNT2 protein. In summary, the available evidence is currently insufficient to determine the role of this variant in disease. Therefore, it has been classified as a Variant of Uncertain Significance. Algorithms developed to predict the effect of sequence changes on RNA splicing suggest that this variant may create or strengthen a splice site. This variant has not been reported in the literature in individuals affected with ARNT2-related conditions. This variant is present in population databases (rs371010555, gnomAD 0.01%).

NM_014862.4(ARNT2):c.666G>T (p.Gly222=)

Gene: ARNT2 (aryl hydrocarbon receptor nuclear translocator 2; plus strand). Cytogenetic location: 15q25.1.
Variant type: single nucleotide variant.
Coding change: c.666G>T on transcript NM_014862.4 (MANE Select); coding-DNA position 666, G replaced by T.
Protein change: p.Gly222=; no amino-acid change (glycine 222 retained).
Molecular consequence: synonymous variant.
Genome position (GRCh38, 1-based): chr15:80,508,199, G>T. VCF-style: chr15-80508199-G-T. GRCh37 (hg19) VCF-style: chr15-80800540-G-T.
Identifiers: ClinVar variation 1347700 (VCV001347700.4), dbSNP rs371010555, ClinGen allele CA7691762.